The following is an entry in ClinVar:

NM_198239.2(CCN6):c.740_741del (p.Cys247fs)

Gene: CCN6 (cellular communication network factor 6; plus strand). Cytogenetic location: 6q21.
Variant type: Microsatellite.
Coding change: c.740_741del on transcript NM_198239.2 (MANE Select); coding-DNA positions 740 to 741, 2 bases deleted (GT; older notation c.740_741delGT).
Protein change: p.Cys247fs; shifts the reading frame from cysteine 247.
Molecular consequence: frameshift variant. On other transcripts: non-coding transcript variant (2).
Genome position (GRCh38, 1-based): chr6:112,068,355-112,068,356, GT deleted; deleting any 2 consecutive bases within chr6:112,068,352-112,068,356 gives the same sequence; the c. name uses the placement nearest the transcript's 3' end. VCF-style (leftmost placement, unchanged base first): chr6-112068351-CTG-C. GRCh37 (hg19) VCF-style: chr6-112389554-CTG-C.
Other names: c.794_795delGT (NM_198239.1); c.740_741del, p.Cys247fs (NM_003880.4); short protein forms C247fs.
Identifiers: ClinVar variation 166615 (VCV000166615.13), dbSNP rs727503755, ClinGen allele CA179689.

ClinVar aggregate classification (germline): Pathogenic/Likely pathogenic. Review status: criteria provided, multiple submitters, no conflicts (2 of 4 stars). 4 submissions from 4 submitters: Pathogenic (3); Likely pathogenic (1). Last evaluated 2023-11-25.

Conditions:
Progressive pseudorheumatoid dysplasia (PPRD). Also called: Progressive Pseudorheumatoid Arthropathy of Childhood; SPONDYLOEPIPHYSEAL DYSPLASIA TARDA WITH PROGRESSIVE ARTHROPATHY. Identifiers: Orphanet 1159, MedGen C0432215, MONDO:0008827, OMIM 208230. Disease mechanism: loss of function.

Submissions (4):

Labcorp Genetics (formerly Invitae), Labcorp
Classification: Pathogenic. Last evaluated: 2023-11-25. Review status: criteria provided, single submitter. Criteria: Invitae Variant Classification Sherloc (09022015). Collection method: clinical testing. Allele origin: germline.
Comment: This sequence change creates a premature translational stop signal (p.Cys247Leufs*31) in the WISP3 gene. While this is not anticipated to result in nonsense mediated decay, it is expected to disrupt the last 108 amino acid(s) of the WISP3 protein. This variant is present in population databases (rs727503755, gnomAD 0.003%). This premature translational stop signal has been observed in individuals with progressive pseudorheumatoid dysplasia (PMID: 12819927, 22987568, 25988854). This variant is also known as c.739_740delTG. ClinVar contains an entry for this variant (Variation ID: 166615). For these reasons, this variant has been classified as Pathogenic.

3billion
Classification: Pathogenic for Progressive pseudorheumatoid dysplasia. Last evaluated: 2022-09-01. Review status: criteria provided, single submitter. Criteria: ACMG Guidelines, 2015. Collection method: clinical testing. Allele origin: germline. Affected: yes. Observed: 1 homozygote.
Comment: The variant is observed at an extremely low frequency in the gnomAD v2.1.1 dataset (total allele frequency: <0.001%). Frameshift variant is predicted to result in a loss or disruption of normal protein function through protein truncation. Multiple pathogenic variants are reported in the predicted truncated region. The variant has been reported at least twice as pathogenic with clinical assertions and evidence for the classification (ClinVar ID: VCV000166615 / PMID: 12819927). Therefore, this variant is classified as Pathogenic according to the recommendation of ACMG/AMP guideline.

Genomic Research Center, Shahid Beheshti University of Medical Sciences
Classification: Pathogenic for Progressive pseudorheumatoid dysplasia. Last evaluated: 2018-03-05. Review status: criteria provided, single submitter. Criteria: ACMG Guidelines, 2015. Collection method: clinical testing. Allele origin: inherited. Affected: yes. Observed: 1 variant allele.

Laboratory for Molecular Medicine, Mass General Brigham Personalized Medicine
Classification: Likely pathogenic for Progressive pseudorheumatoid dysplasia. Last evaluated: 2014-07-28. Review status: criteria provided, single submitter. Criteria: LMM Criteria. Collection method: clinical testing. Allele origin: germline. Inheritance: Autosomal recessive inheritance. Observed: 5 variant alleles.
Comment: The Cys265fs variant in WISP3 has been previously reported in two homozygous ind ividuals with progressive pseudorheumatoid dysplasia (PPD) and segregated with d isease in one affected homozygous relative (Ehl 2004, Dalal 2012). Data from lar ge population studies is insufficient to assess the frequency of this variant. T his variant is predicted to cause a frameshift, which alters the protein?s amino acid sequence beginning at position 265 and leads to a premature termination co don 31 amino acids downstream. This premature termination codon occurs in the la st exon and therefore may escape nonsense mediated decay (NMD), resulting in a t runcated protein. Importantly, several other truncating variants have been ident ified downstream of this position in individuals with PPD(Hurvitz 1999, Dalal 20 12, Garcia Segarra 2012) indicating truncating variants in the last exon of WISP 3 are not tolerated. In summary, this variant meets our criteria to be classifie d as likely pathogenic based upon segregation analysis and the predicted impact of the variant.

Literature cited by the submitters: PubMed 12819927 (cited by 3 submitters); PubMed 22987568 (cited by Labcorp Genetics (formerly Invitae), Labcorp and Laboratory for Molecular Medicine, Mass General Brigham Personalized Medicine); PubMed 25988854 (cited by Labcorp Genetics (formerly Invitae), Labcorp); PubMed 10471507 (cited by Laboratory for Molecular Medicine, Mass General Brigham Personalized Medicine); PubMed 22791401 (cited by Laboratory for Molecular Medicine, Mass General Brigham Personalized Medicine).